The following is an entry in ClinVar:

ClinVar aggregate classification (germline): Uncertain significance (1 of 4 stars; one submission).

Conditions:
Malignant hyperthermia, susceptibility to, 1 (MHS1). Also called: Anesthesia related hyperthermia; Malignant hyperpyrexia; Fulminating hyperpyrexia; Pharmacogenic myopathy; RYR1-Related Malignant Hyperthermia Susceptibility; Malignant hyperthermia suceptibility 1. Identifiers: Orphanet 423, MedGen C2930980, MONDO:0007783, OMIM 145600.

Allele frequency attached by ClinVar (database versions not stated): gnomAD exomes below 0.00001; gnomAD 0.00001.
gnomAD v4.1: 2 of 1,593,684 alleles (0.00013%); highest among the groups gnomAD compares: Non-Finnish European, 0.00017%; no homozygotes.

Submission:

All of Us Research Program, National Institutes of Health
Classification: Uncertain significance for Malignant hyperthermia, susceptibility to, 1. Last evaluated: 2024-02-05. Review status: criteria provided, single submitter. Criteria: ACMG Guidelines, 2015. Collection method: clinical testing. Allele origin: germline. Inheritance: Autosomal dominant inheritance. Observed: 1 variant allele, 1 heterozygote.
Comment: This missense variant replaces methionine with valine at codon 940 of the RYR1 protein. Computational prediction is inconclusive regarding the impact of this variant on protein structure and function (internally defined REVEL score threshold 0.5 < inconclusive < 0.7, PMID: 27666373). To our knowledge, functional studies have not been reported for this variant. This variant has not been reported in individuals affected with RYR1-related disorders in the literature. This variant has not been identified in the general population by the Genome Aggregation Database (gnomAD). The available evidence is insufficient to determine the role of this variant in disease conclusively. Therefore, this variant is classified as a Variant of Uncertain Significance.

This study involves interpretation of variants in research participants for the purpose of population health screening. Participant phenotype was not available at the time of variant classification. Additional details can be found in publication PMID: 35346344, PMCID: PMC8962531

NM_000540.3(RYR1):c.2818A>G (p.Met940Val)

Gene: RYR1 (ryanodine receptor 1; plus strand). Cytogenetic location: 19q13.2.
Variant type: single nucleotide variant.
Coding change: c.2818A>G on transcript NM_000540.3 (MANE Select); coding-DNA position 2818, A replaced by G.
Protein change: p.Met940Val; replaces methionine 940 with valine.
Molecular consequence: missense variant.
Genome position (GRCh38, 1-based): chr19:38,464,670, A>G. VCF-style: chr19-38464670-A-G. GRCh37 (hg19) VCF-style: chr19-38955310-A-G.
Other names: c.2818A>G, p.Met940Val (NM_001042723.2); short protein forms M940V.
Identifiers: ClinVar variation 3075485 (VCV003075485.1), dbSNP rs1967996367, ClinGen allele CA405633423.